The following is an entry in ClinVar:

NC_000010.10:g.(?_13151123)_(13154655_?)dup

Gene: OPTN (optineurin; plus strand). Cytogenetic location: 10p13.
Variant type: Duplication.
Identifiers: ClinVar variation 1401623 (VCV001401623.6).

ClinVar aggregate classification (germline): Uncertain significance (1 of 4 stars; one submission).

Conditions:
Primary open angle glaucoma (POAG). Also called: OPTN-related open angle glaucoma. Identifiers: MedGen C0339573, MONDO:0100553, OMIM 137760.
Glaucoma 1, open angle, E. Identifiers: MedGen C1842026, MONDO:0007665.
Amyotrophic lateral sclerosis type 12 (ALS12). Also called: AMYOTROPHIC LATERAL SCLEROSIS 12 WITH OR WITHOUT FRONTOTEMPORAL DEMENTIA. Identifiers: Orphanet 803, MedGen C3150692, MONDO:0013264, OMIM 613435.

Submission:

Labcorp Genetics (formerly Invitae), Labcorp
Classification: Uncertain significance for Primary open angle glaucoma; Glaucoma 1, open angle, E; Amyotrophic lateral sclerosis type 12. Last evaluated: 2021-10-04. Review status: criteria provided, single submitter. Criteria: Invitae Variant Classification Sherloc (09022015). Collection method: clinical testing. Allele origin: germline.
Comment: In summary, the available evidence is currently insufficient to determine the role of this variant in disease. Therefore, it has been classified as a Variant of Uncertain Significance. Experimental studies and prediction algorithms are not available or were not evaluated, and the functional significance of this variant is currently unknown. This variant has not been reported in the literature in individuals affected with OPTN-related conditions. This variant results in a copy number gain of the genomic region encompassing exon(s) 2-4 of the OPTN gene. This region includes the initiator codon of the gene. This copy number gain extends beyond the assayed region for this gene and therefore may encompass additional genes. As the precise location of this event is unknown, it may be in tandem or it may be located elsewhere in the genome.